The following is an entry in ClinVar:

NM_006160.4(NEUROD2):c.355T>C (p.Ser119Pro)

Gene: NEUROD2 (neuronal differentiation 2; minus strand). Cytogenetic location: 17q12.
Variant type: single nucleotide variant.
Coding change: c.355T>C on transcript NM_006160.4 (MANE Select); coding-DNA position 355, T replaced by C.
Protein change: p.Ser119Pro; replaces serine 119 with proline.
Molecular consequence: missense variant.
Genome position (GRCh38, 1-based): chr17:39,606,245, A>G on the plus strand (T>C on the coding strand, the complement: NEUROD2 is on the minus strand). VCF-style: chr17-39606245-A-G. GRCh37 (hg19) VCF-style: chr17-37762498-A-G.
Other names: short protein forms S119P.
Identifiers: ClinVar variation 1805399 (VCV001805399.2), dbSNP rs2545858363, ClinGen allele CA399258651.
Genomic context (GRCh38, chr17:39,606,245, plus strand): 5'-CGTTCAGGTCGTGCATGCGGTTGCGCTCCCGCGCGTTCGCCTTCTGCCGCCGAAGCTTGG[A>G]GCGCTCCAAGCGCGCCTTGGTCATCTTGCGCTTCTTGGGCCCGCGCTTCTTGGGCCGCTC-3'
Protein context (NP_006151.3, residues 109-129): RKMTKARLER[Ser119Pro]KLRRQKANAR

ClinVar aggregate classification (germline): Uncertain significance (1 of 4 stars; one submission).

Conditions:
Developmental and epileptic encephalopathy, 72. Also called: EPILEPTIC ENCEPHALOPATHY, EARLY INFANTILE, 72. Identifiers: MedGen C5193063, MONDO:0032710, OMIM 618374.

Submission:

Victorian Clinical Genetics Services, Murdoch Childrens Research Institute
Classification: Uncertain significance for Developmental and epileptic encephalopathy, 72. Last evaluated: 2025-11-18. Review status: criteria provided, single submitter. Criteria: ACMG Guidelines, 2015. Collection method: clinical testing. Allele origin: germline. Affected: yes.
Comment: This variant is classified as VUS-3A. Evidence in support of pathogenic classification: Variant is absent from gnomAD (v2, v3 and v4); Additional information: Variant is predicted to result in a missense amino acid change from Ser to Pro; This variant is heterozygous; This gene is associated with autosomal dominant disease; This variant has no previous evidence of pathogenicity; No published segregation evidence has been identified for this variant; No published functional evidence has been identified for this variant; No comparable missense variants have previous evidence for pathogenicity; Variant is not located in an established domain, motif, hotspot or informative constraint region; Missense variant with conflicting in silico predictions and uninformative conservation; Loss of function is a known mechanism of disease in this gene and is associated with developmental and epileptic encephalopathy 72 (MIM#618374); Variants in this gene are known to have variable expressivity. Patients present with variable severity and features (PMID: 34188164).

Literature cited by the submitters: PubMed 34188164.